The following is an entry in ClinVar:

NM_000465.4(BARD1):c.1607A>G (p.Asp536Gly)

Gene: BARD1 (BRCA1 associated RING domain 1; minus strand). Cytogenetic location: 2q35.
Variant type: single nucleotide variant.
Coding change: c.1607A>G on transcript NM_000465.4 (MANE Select); coding-DNA position 1607, A replaced by G.
Protein change: p.Asp536Gly; replaces aspartic acid 536 with glycine.
Molecular consequence: missense variant. On other transcripts: non-coding transcript variant (3), intron variant (1).
Genome position (GRCh38, 1-based): chr2:214,752,517, T>C on the plus strand (A>G on the coding strand, the complement: BARD1 is on the minus strand). VCF-style: chr2-214752517-T-C. GRCh37 (hg19) VCF-style: chr2-215617241-T-C.
Other names: c.1550A>G, p.Asp517Gly (NM_001282543.2); c.254A>G, p.Asp85Gly (NM_001282545.2); c.197A>G, p.Asp66Gly (NM_001282548.2); c.365-22009A>G (NM_001282549.2); short protein forms D85G, D517G, D536G, D66G.
Identifiers: ClinVar variation 1513504 (VCV001513504.9), dbSNP rs1559394867, ClinGen allele CA350454894.

ClinVar aggregate classification (germline): Uncertain significance. Review status: criteria provided, multiple submitters, no conflicts (2 of 4 stars). 2 submissions from 2 submitters: Uncertain significance (2). Last evaluated 2025-11-17.

Conditions:
Familial cancer of breast. Also called: hereditary breast carcinoma; BREAST CANCER, FAMILIAL; Hereditary breast cancer. Identifiers: Orphanet 227535, MedGen C0346153, MONDO:0016419, OMIM 114480. Disease mechanism: loss of function.

Submissions (2):

Dasa
Classification: Uncertain significance. Last evaluated: 2025-11-17. Review status: criteria provided, single submitter. Criteria: DASA Assertion Criteria. Collection method: clinical testing. Allele origin: germline.
Comment: NM_000465.4(BARD1):c.1607A>G (p.Asp536Gly) is a missense variant that results in the substitution of aspartic acid with glycine. This variant is absent from population databases. The currently available literature and clinical evidence are not sufficient to establish a definitive association between this variant and the reported condition. Therefore, this variant is classified as a variant of uncertain significance.

Labcorp Genetics (formerly Invitae), Labcorp
Classification: Uncertain significance for Familial cancer of breast. Last evaluated: 2021-10-07. Review status: criteria provided, single submitter. Criteria: Invitae Variant Classification Sherloc (09022015). Collection method: clinical testing. Allele origin: germline.
Comment: In summary, the available evidence is currently insufficient to determine the role of this variant in disease. Therefore, it has been classified as a Variant of Uncertain Significance. Algorithms developed to predict the effect of sequence changes on RNA splicing suggest that this variant may create or strengthen a splice site. Algorithms developed to predict the effect of missense changes on protein structure and function output the following: SIFT: "Tolerated"; PolyPhen-2: "Benign"; Align-GVGD: "Class C0". The glycine amino acid residue is found in multiple mammalian species, which suggests that this missense change does not adversely affect protein function. This variant has not been reported in the literature in individuals affected with BARD1-related conditions. This variant is not present in population databases (ExAC no frequency). This sequence change replaces aspartic acid with glycine at codon 536 of the BARD1 protein (p.Asp536Gly). The aspartic acid residue is weakly conserved and there is a moderate physicochemical difference between aspartic acid and glycine.